The following is an entry in ClinVar:

ClinVar aggregate classification (germline): Uncertain significance (1 of 4 stars; one submission).

gnomAD v4.1: 2 of 1,605,446 alleles (0.00012%); highest among the groups gnomAD compares: African/African-American, 0.0027%; no homozygotes.

Submission:

GeneDx
Classification: Uncertain significance. Last evaluated: 2025-05-13. Review status: criteria provided, single submitter. Criteria: GeneDx Variant Classification Process June 2021. Collection method: clinical testing. Allele origin: germline. Affected: yes.
Comment: Not observed at significant frequency in large population cohorts (gnomAD); In silico analysis supports a deleterious effect on splicing; Has not been previously published as pathogenic or benign to our knowledge

NM_004826.4(ECEL1):c.1185-12C>G

Gene: ECEL1 (endothelin converting enzyme like 1; minus strand). Cytogenetic location: 2q37.1.
Variant type: single nucleotide variant.
Coding change: c.1185-12C>G on transcript NM_004826.4 (MANE Select); 12 bases into the intron before coding-DNA position 1185, C replaced by G.
Molecular consequence: intron variant.
Genome position (GRCh38, 1-based): chr2:232,484,235, G>C on the plus strand (C>G on the coding strand, the complement: ECEL1 is on the minus strand). VCF-style: chr2-232484235-G-C. GRCh37 (hg19) VCF-style: chr2-233348945-G-C.
Other names: c.1185-12C>G (NM_001290787.2).
Identifiers: ClinVar variation 4529782 (VCV004529782.1).